The following is an entry in ClinVar:

NM_001999.4(FBN2):c.3161G>C (p.Arg1054Pro)

Genes: FBN2 (fibrillin 2; minus strand), LOC126807501 (BRD4-independent group 4 enhancer GRCh37_chr5:127680731-127681930; plus strand). Cytogenetic location: 5q23.3.
Variant type: single nucleotide variant.
Coding change: c.3161G>C on transcript NM_001999.4 (MANE Select); coding-DNA position 3161, G replaced by C.
Protein change: p.Arg1054Pro; replaces arginine 1054 with proline.
Molecular consequence: missense variant.
Genome position (GRCh38, 1-based): chr5:128,345,413, C>G on the plus strand (G>C on the coding strand, the complement: FBN2 is on the minus strand). VCF-style: chr5-128345413-C-G. GRCh37 (hg19) VCF-style: chr5-127681105-C-G.
Other names: short protein forms R1054P.
Identifiers: ClinVar variation 3704199 (VCV003704199.2).
Genomic context (GRCh38, chr5:128,345,413, plus strand): 5'-TTACCTTTGTAAAATGGCCGCCCAGTAAGAACATCCCCTCGGTTAGCAAAGCCAGCCCCG[C>G]GGGGGCACAGCGTCTCGTATTCCTTGGTGCCAGGTTTGGGGCACTCCTCACACTCGGTGC-3'
Protein context (NP_001990.2, residues 1044-1064): GTKEYETLCP[Arg1054Pro]GAGFANRGDV

ClinVar aggregate classification (germline): Uncertain significance (1 of 4 stars; one submission).

Conditions:
Congenital contractural arachnodactyly (CCA). Also called: Beals-Hecht syndrome; BEALS SYNDROME; Arthrogryposis, distal, type 9. Identifiers: Orphanet 115, MedGen C0220668, MONDO:0007363, OMIM 121050.

Submission:

Labcorp Genetics (formerly Invitae), Labcorp
Classification: Uncertain significance for Congenital contractural arachnodactyly. Last evaluated: 2024-02-20. Review status: criteria provided, single submitter. Criteria: Invitae Variant Classification Sherloc (09022015). Collection method: clinical testing. Allele origin: germline.
Comment: This sequence change replaces arginine, which is basic and polar, with proline, which is neutral and non-polar, at codon 1054 of the FBN2 protein (p.Arg1054Pro). This variant is not present in population databases (gnomAD no frequency). This variant has not been reported in the literature in individuals affected with FBN2-related conditions. Advanced modeling of protein sequence and biophysical properties (such as structural, functional, and spatial information, amino acid conservation, physicochemical variation, residue mobility, and thermodynamic stability) has been performed at Invitae for this missense variant, however the output from this modeling did not meet the statistical confidence thresholds required to predict the impact of this variant on FBN2 protein function. In summary, the available evidence is currently insufficient to determine the role of this variant in disease. Therefore, it has been classified as a Variant of Uncertain Significance.